The following is an entry in ClinVar:

ClinVar aggregate classification (germline): Conflicting classifications of pathogenicity. Review status: criteria provided, conflicting classifications (1 of 4 stars). 2 submissions from 2 submitters: Likely pathogenic (1); Uncertain significance (1). Last evaluated 2014-09-17.

Conditions:
Primary dilated cardiomyopathy (DCM). Also called: Dilated Cardiomyopathy. Identifiers: Orphanet 217604, MedGen C0007193, MeSH D002311, MONDO:0005021, HP:0001644. Inheritance: Various modes of inheritance.

Submissions (2):

Laboratory for Molecular Medicine, Mass General Brigham Personalized Medicine
Classification: Likely pathogenic for Primary dilated cardiomyopathy. Last evaluated: 2014-09-17. Review status: criteria provided, single submitter. Criteria: ACMG Guidelines, 2015. Collection method: clinical testing. Allele origin: germline. Inheritance: Autosomal dominant inheritance.
Comment: TheTyr21827X variant in TTN has been previously identified by another laboratory in an individual with DCM, but was absent from large population studies. This nonsense variant leads to a premature termination codon at position 21827, which is predicted to lead to a truncated or absent protein. Nonsense and other truncating variants in TTN are strongly associated with DCM, particularly if they are located in the exons encoding for the A-band region of the protein (Herman 2012, Pugh 2014), where this variant is located. In summary, although additional studies are required to fully establish its clinical significance, the Tyr21827X variant is likely pathogenic.

GeneDx
Classification: Uncertain significance. Review status: criteria provided, single submitter. Criteria: GeneDx Variant Classification (06012015). Collection method: clinical testing. Allele origin: germline. Affected: yes.
Comment: The Y22754X mutation in the TTN gene has not been reported previously as a disease-causing mutation or as a benign polymorphism, to our knowledge. Y22754X is predicted to cause loss of normal protein function either due to production of an abnormal, prematurely truncated protein, or by absence of protein product due to nonsense mediated mRNA decay. Other truncating TTN variants have been reported in approximately 3% of control alleles (Herman D et al., 2012). However, Y22754X is located in the A-band region of titin, where the majority of truncating mutations associated with DCM have been reported (Herman D et al., 2012). Furthermore, Y22754X was not observed in approximately 6000 individuals of European and African American ancestry in the NHLBI Exome Sequencing Project, indicating it is not a common benign variant in these populations. The variant is found in TTN panel(s).

NM_001267550.2(TTN):c.73185T>A (p.Tyr24395Ter)

Genes: TTN (titin; minus strand), TTN-AS1 (TTN antisense RNA 1; plus strand). Cytogenetic location: 2q31.2.
Variant type: single nucleotide variant.
Coding change: c.73185T>A on transcript NM_001267550.2 (MANE Select); coding-DNA position 73185, T replaced by A.
Protein change: p.Tyr24395Ter; replaces tyrosine 24395 with a stop codon.
Molecular consequence: nonsense.
Genome position (GRCh38, 1-based): chr2:178,572,947, A>T on the plus strand (T>A on the coding strand, the complement: TTN is on the minus strand). VCF-style: chr2-178572947-A-T. GRCh37 (hg19) VCF-style: chr2-179437674-A-T.
Other names: p.Y22754*:TAT>TAA; c.68262T>A, p.Tyr22754Ter (NM_001256850.1); c.45990T>A, p.Tyr15330Ter (NM_003319.4); c.65481T>A, p.Tyr21827Ter (NM_133378.4); c.46365T>A, p.Tyr15455Ter (NM_133432.3); c.46566T>A, p.Tyr15522Ter (NM_133437.4); short protein forms Y22754*, Y24395*, Y21827*, Y15522*, Y15330*, Y15455*.
Identifiers: ClinVar variation 202403 (VCV000202403.2), dbSNP rs794729283, ClinGen allele CA309306.
Genomic context (GRCh38, chr2:178,572,947, plus strand): 5'-TCCAGGAACAAGGGCAGGTTCCCCAAGTCCTTCGGAATTCATGGCATAGATGCGGATCTT[A>T]TATTCCTGATTCTCTGTGAGGCCAGTGATAGTATACGAAGTTGCCTTGAGTCCTGCTGGT-3'